The following is an entry in ClinVar:

NM_002734.5(PRKAR1A):c.1075C>T (p.Leu359Phe)

Gene: PRKAR1A (protein kinase cAMP-dependent type I regulatory subunit alpha; plus strand). Cytogenetic location: 17q24.2.
Variant type: single nucleotide variant.
Coding change: c.1075C>T on transcript NM_002734.5 (MANE Select); coding-DNA position 1075, C replaced by T.
Protein change: p.Leu359Phe; replaces leucine 359 with phenylalanine.
Molecular consequence: missense variant. On other transcripts: intron variant (1).
Genome position (GRCh38, 1-based): chr17:68,530,378, C>T. VCF-style: chr17-68530378-C-T. GRCh37 (hg19) VCF-style: chr17-66526519-C-T.
Other names: c.1075C>T, p.Leu359Phe (NM_001276289.2, NM_001278433.2, NM_001369389.1 and 3 more transcripts); c.973+377C>T (NM_001276290.1); short protein forms L359F.
Identifiers: ClinVar variation 1416653 (VCV001416653.6), dbSNP rs2143391287, ClinGen allele CA400754773.

ClinVar aggregate classification (germline): Uncertain significance (1 of 4 stars; one submission).

Conditions:
Carney complex, type 1 (CNC1). Also called: CARNEY COMPLEX, TYPE I; CARNEY MYXOMA-ENDOCRINE COMPLEX. Identifiers: Orphanet 1359, MedGen C2607929, MONDO:0008057, OMIM 160980.

Allele frequency attached by ClinVar (database versions not stated): gnomAD exomes below 0.00001.
gnomAD v4.1: 1 of 1,614,142 alleles (0.000062%); highest among the groups gnomAD compares: Non-Finnish European, 0.000085%; no homozygotes.

Submission:

Labcorp Genetics (formerly Invitae), Labcorp
Classification: Uncertain significance for Carney complex, type 1. Last evaluated: 2023-08-30. Review status: criteria provided, single submitter. Criteria: Invitae Variant Classification Sherloc (09022015). Collection method: clinical testing. Allele origin: germline.
Comment: In summary, the available evidence is currently insufficient to determine the role of this variant in disease. Therefore, it has been classified as a Variant of Uncertain Significance. Advanced modeling of protein sequence and biophysical properties (such as structural, functional, and spatial information, amino acid conservation, physicochemical variation, residue mobility, and thermodynamic stability) has been performed at Invitae for this missense variant, however the output from this modeling did not meet the statistical confidence thresholds required to predict the impact of this variant on PRKAR1A protein function. ClinVar contains an entry for this variant (Variation ID: 1416653). This variant has not been reported in the literature in individuals affected with PRKAR1A-related conditions. This variant is not present in population databases (gnomAD no frequency). This sequence change replaces leucine, which is neutral and non-polar, with phenylalanine, which is neutral and non-polar, at codon 359 of the PRKAR1A protein (p.Leu359Phe).